The following is an entry in ClinVar:

NM_000321.3(RB1):c.1158del (p.Met386fs)

Gene: RB1 (RB transcriptional corepressor 1; plus strand). Cytogenetic location: 13q14.2.
Variant type: Deletion.
Coding change: c.1158del on transcript NM_000321.3 (MANE Select); coding-DNA position 1158, one base deleted (G; older notation c.1158delG).
Protein change: p.Met386fs; shifts the reading frame from methionine 386.
Molecular consequence: frameshift variant.
Genome position (GRCh38, 1-based): chr13:48,373,435, G deleted. VCF-style (leftmost placement, unchanged base first): chr13-48373434-TG-T. GRCh37 (hg19) VCF-style: chr13-48947570-TG-T.
Other names: c.1158del, p.Met386fs (NM_001407165.1, NM_001407166.1); short protein forms M386fs.
Identifiers: ClinVar variation 2450512 (VCV002450512.3), dbSNP rs2542194918, ClinGen allele CA2580087586.

ClinVar aggregate classification (germline): Pathogenic. Review status: criteria provided, multiple submitters, no conflicts (2 of 4 stars). 2 submissions from 2 submitters: Pathogenic (2). Last evaluated 2024-05-20.

Conditions:
Retinoblastoma (RB1). Also called: RETINOBLASTOMA, SOMATIC. Identifiers: Orphanet 790, MedGen C0035335, MeSH D012175, MONDO:0008380, OMIM 180200, HP:0009919. Disease mechanism: loss of function. Inheritance: Both sporadic and heritable forms are tested..
Hereditary cancer-predisposing syndrome. Also called: Neoplastic Syndromes, Hereditary; Tumor predisposition; Hereditary neoplastic syndrome; Hereditary Cancer Syndrome. Identifiers: Orphanet 140162, MedGen C0027672, MeSH D009386, MONDO:0015356.

Submissions (2):

Genetic Diagnostic Laboratory, University of Pennsylvania School of Medicine
Classification: Pathogenic for Retinoblastoma. Last evaluated: 2024-05-20. Review status: criteria provided, single submitter. Criteria: ACMG Guidelines, 2015. Collection method: clinical testing. Allele origin: germline. Affected: yes. Observed: 1 variant allele.
Comment: Case and Pedigree Information: BILATERAL CASES:1, UNILATERAL CASES:0, TOTAL CASES:1, PEDIGREES:1. ACMG Codes Applied:PVS1, PM2

Ambry Genetics
Classification: Pathogenic for Hereditary cancer-predisposing syndrome. Last evaluated: 2023-02-07. Review status: criteria provided, single submitter. Criteria: Ambry Variant Classification Scheme 2023. Collection method: clinical testing. Allele origin: germline.
Comment: The c.1158delG pathogenic mutation, located in coding exon 12 of the RB1 gene, results from a deletion of one nucleotide at nucleotide position 1158, causing a translational frameshift with a predicted alternate stop codon (p.M386Ifs*2). This alteration has been observed in at least one individual with a personal and/or family history that is consistent with RB1-related disease (Ambry internal data). This variant is considered to be rare based on population cohorts in the Genome Aggregation Database (gnomAD). This alteration is expected to result in loss of function by premature protein truncation or nonsense-mediated mRNA decay. As such, this alteration is interpreted as a disease-causing mutation.